The following is an entry in ClinVar:

NM_001164508.2(NEB):c.19001A>T (p.Gln6334Leu)

Gene: NEB (nebulin; minus strand). Cytogenetic location: 2q23.3.
Variant type: single nucleotide variant.
Coding change: c.19001A>T on transcript NM_001164508.2 (MANE Select); coding-DNA position 19001, A replaced by T.
Protein change: p.Gln6334Leu; replaces glutamine 6334 with leucine.
Molecular consequence: missense variant.
Genome position (GRCh38, 1-based): chr2:151,561,308, T>A on the plus strand (A>T on the coding strand, the complement: NEB is on the minus strand). VCF-style: chr2-151561308-T-A. GRCh37 (hg19) VCF-style: chr2-152417822-T-A.
Other names: c.19001A>T, p.Gln6334Leu (NM_001164507.2, NM_001271208.2); c.13898A>T, p.Gln4633Leu (NM_004543.5); short protein forms Q4633L, Q6334L.
Identifiers: ClinVar variation 2091587 (VCV002091587.1), dbSNP rs1272756231, ClinGen allele CA348795707.

ClinVar aggregate classification (germline): Uncertain significance (1 of 4 stars; one submission).

Conditions:
Nemaline myopathy 2 (NEM2). Also called: Nemaline myopathy 2, autosomal recessive. Identifiers: MedGen C1850569, MONDO:0009725, OMIM 256030.

Submission:

Labcorp Genetics (formerly Invitae), Labcorp
Classification: Uncertain significance for Nemaline myopathy 2. Last evaluated: 2022-02-01. Review status: criteria provided, single submitter. Criteria: Invitae Variant Classification Sherloc (09022015). Collection method: clinical testing. Allele origin: germline.
Comment: This sequence change replaces glutamine, which is neutral and polar, with leucine, which is neutral and non-polar, at codon 6334 of the NEB protein (p.Gln6334Leu). This variant is not present in population databases (gnomAD no frequency). This variant has not been reported in the literature in individuals affected with NEB-related conditions. Algorithms developed to predict the effect of missense changes on protein structure and function output the following: SIFT: "Deleterious"; PolyPhen-2: "Not Available"; Align-GVGD: "Class C0". The leucine amino acid residue is found in multiple mammalian species, which suggests that this missense change does not adversely affect protein function. In summary, the available evidence is currently insufficient to determine the role of this variant in disease. Therefore, it has been classified as a Variant of Uncertain Significance.